The following is an entry in ClinVar:

NM_001376.5(DYNC1H1):c.6091A>C (p.Asn2031His)

Gene: DYNC1H1 (dynein cytoplasmic 1 heavy chain 1; plus strand). Cytogenetic location: 14q32.31.
Variant type: single nucleotide variant.
Coding change: c.6091A>C on transcript NM_001376.5 (MANE Select); coding-DNA position 6091, A replaced by C.
Protein change: p.Asn2031His; replaces asparagine 2031 with histidine.
Molecular consequence: missense variant.
Genome position (GRCh38, 1-based): chr14:102,009,956, A>C. VCF-style: chr14-102009956-A-C. GRCh37 (hg19) VCF-style: chr14-102476293-A-C.
Other names: short protein forms N2031H.
Identifiers: ClinVar variation 2644565 (VCV002644565.24), dbSNP rs2503750906, ClinGen allele CA391052994.
Genomic context (GRCh38, chr14:102,009,956, plus strand): 5'-GACATGGCCATCTTCATCACCATGAACCCTGGCTACGCGGGCCGGTCTAACCTTCCTGAC[A>C]ACTTGAAGAAGCTGTTCCGGAGCTTGGCCATGACCAAGCCCGACCGGCAGTTAATCGCCC-3'
Protein context (NP_001367.2, residues 2021-2041): GYAGRSNLPD[Asn2031His]LKKLFRSLAM

ClinVar aggregate classification (germline): Uncertain significance (1 of 4 stars; one submission).

Submission:

CeGaT Center for Human Genetics Tuebingen
Classification: Uncertain significance. Last evaluated: 2023-10-01. Review status: criteria provided, single submitter. Criteria: CeGaT Center For Human Genetics Tuebingen Variant Classification Criteria Version 2. Collection method: clinical testing. Allele origin: germline. Affected: yes. Observed: 1 variant allele.
Comment: DYNC1H1: PM2, PP2